The following is an entry in ClinVar:

ClinVar aggregate classification (germline): Likely benign. Review status: criteria provided, multiple submitters, no conflicts (2 of 4 stars). 4 submissions from 4 submitters: Likely benign (2). 2 of the submissions do not count toward it. Last evaluated 2025-05-12.

Conditions:
Bardet-Biedl syndrome (BBS). Identifiers: Orphanet 110, MedGen C0752166, MONDO:0015229.
Bardet-Biedl syndrome 1 (BBS1). Identifiers: MedGen C2936862, MONDO:0008854, OMIM 209900. Disease mechanism: loss of function.
BBS1-related disorder. Also called: BBS1-related condition.

Allele frequency attached by ClinVar (database versions not stated): gnomAD 0.00001; gnomAD exomes 0.00001 and 0.00004; ExAC 0.00004; TOPMed 0.00004.
gnomAD v4.1: 23 of 1,612,572 alleles (0.0014%); highest among the groups gnomAD compares: East Asian, 0.029%; no homozygotes.

Submissions (4):

Labcorp Genetics (formerly Invitae), Labcorp
Classification: Likely benign for Bardet-Biedl syndrome. Last evaluated: 2025-05-12. Review status: criteria provided, single submitter. Criteria: Invitae Variant Classification Sherloc (09022015). Collection method: clinical testing. Allele origin: germline.

Blueprint Genetics
Classification: Likely benign. Last evaluated: 2024-02-13. Review status: criteria provided, single submitter. Criteria: ACMG Guidelines, 2015. Collection method: clinical testing. Allele origin: germline.

PreventionGenetics, part of Exact Sciences
Classification: Likely benign for BBS1-related condition. Last evaluated: 2023-11-30. Review status: no assertion criteria provided. Collection method: clinical testing. Allele origin: germline. Not counted in ClinVar's aggregate classification.
Comment: This variant is classified as likely benign based on ACMG/AMP sequence variant interpretation guidelines (Richards et al. 2015 PMID: 25741868, with internal and published modifications).

Natera, Inc.
Classification: Likely benign for Bardet-Biedl syndrome type 1. Last evaluated: 2020-09-16. Review status: no assertion criteria provided. Collection method: clinical testing. Allele origin: germline. Not counted in ClinVar's aggregate classification.

NM_024649.5(BBS1):c.723+7G>A

Gene: BBS1 (Bardet-Biedl syndrome 1; plus strand). Cytogenetic location: 11q13.2.
Variant type: single nucleotide variant.
Coding change: c.723+7G>A on transcript NM_024649.5 (MANE Select); 7 bases into the intron after coding-DNA position 723, G replaced by A.
Molecular consequence: intron variant.
Genome position (GRCh38, 1-based): chr11:66,519,755, G>A. VCF-style: chr11-66519755-G-A. GRCh37 (hg19) VCF-style: chr11-66287226-G-A.
Identifiers: ClinVar variation 700932 (VCV000700932.14), dbSNP rs770220426, ClinGen allele CA6123449.